The following is an entry in ClinVar:

ClinVar aggregate classification (germline): Uncertain significance (1 of 4 stars; one submission).

Allele frequency attached by ClinVar (database versions not stated): TOPMed 0.00001.

Submission:

GeneDx
Classification: Uncertain significance. Last evaluated: 2017-04-12. Review status: criteria provided, single submitter. Criteria: GeneDx Variant Classification (06012015). Collection method: clinical testing. Allele origin: germline. Affected: yes.
Comment: The c.3689 C>T variant in the ACE gene has not been reported previously as a pathogenic variant, nor as a benign variant, to our knowledge. The c.3689 C>T variant is not observed in large population cohorts (Lek et al., 2016; 1000 Genomes Consortium et al., 2015; Exome Variant Server). In-silico splice prediction models predict that c.3689 C>T may destroy the natural splice donor site in intron 24. However, in the absence of RNA/functional studies, the actual effect of the c.3689 C>T change in this individual is unknown. If c.3689 C>T does not alter splicing, it will result in the S1230F missense change. The c.3689 C>T variant is a non-conservative amino acid substitution, which is likely to impact secondary protein structure as these residues differ in polarity, charge, size and/or other properties. In silico analysis is inconsistent in its predictions as to whether or not the variant is damaging to the protein structure/function. We interpret c.3689 C>T as a variant of uncertain significance.

NM_000789.4(ACE):c.3689C>T (p.Ser1230Phe)

Gene: ACE (angiotensin I converting enzyme; plus strand). Cytogenetic location: 17q23.3.
Variant type: single nucleotide variant.
Coding change: c.3689C>T on transcript NM_000789.4 (MANE Select); coding-DNA position 3689, C replaced by T.
Protein change: p.Ser1230Phe; replaces serine 1230 with phenylalanine.
Molecular consequence: missense variant.
Genome position (GRCh38, 1-based): chr17:63,496,983, C>T. VCF-style: chr17-63496983-C-T. GRCh37 (hg19) VCF-style: chr17-61574344-C-T.
Other names: c.1844C>T, p.Ser615Phe (NM_001178057.2); c.1967C>T, p.Ser656Phe (NM_152830.3); short protein forms S1230F, S615F, S656F.
Identifiers: ClinVar variation 426544 (VCV000426544.2), dbSNP rs756742824, ClinGen allele CA292890204.